The following is an entry in ClinVar:

ClinVar aggregate classification (germline): Uncertain significance (1 of 4 stars; one submission).

Conditions:
Lethal multiple pterygium syndrome (LMPS). Identifiers: Orphanet 33108, MedGen C1854678, MONDO:0009668, OMIM 253290.

Submission:

Labcorp Genetics (formerly Invitae), Labcorp
Classification: Uncertain significance for Lethal multiple pterygium syndrome. Last evaluated: 2022-07-06. Review status: criteria provided, single submitter. Criteria: Invitae Variant Classification Sherloc (09022015). Collection method: clinical testing. Allele origin: germline.
Comment: This sequence change replaces proline, which is neutral and non-polar, with serine, which is neutral and polar, at codon 3 of the CHRNA1 protein (p.Pro3Ser). In summary, the available evidence is currently insufficient to determine the role of this variant in disease. Therefore, it has been classified as a Variant of Uncertain Significance. Advanced modeling of protein sequence and biophysical properties (such as structural, functional, and spatial information, amino acid conservation, physicochemical variation, residue mobility, and thermodynamic stability) performed at Invitae indicates that this missense variant is not expected to disrupt CHRNA1 protein function. ClinVar contains an entry for this variant (Variation ID: 1043061). This variant has not been reported in the literature in individuals affected with CHRNA1-related conditions. This variant is present in population databases (no rsID available, gnomAD 0.0009%).

NM_000079.4(CHRNA1):c.7C>T (p.Pro3Ser)

Gene: CHRNA1 (cholinergic receptor nicotinic alpha 1 subunit; minus strand). Cytogenetic location: 2q31.1.
Variant type: single nucleotide variant.
Coding change: c.7C>T on transcript NM_000079.4 (MANE Select); coding-DNA position 7, C replaced by T.
Protein change: p.Pro3Ser; replaces proline 3 with serine.
Molecular consequence: missense variant.
Genome position (GRCh38, 1-based): chr2:174,764,388, G>A on the plus strand (C>T on the coding strand, the complement: CHRNA1 is on the minus strand). VCF-style: chr2-174764388-G-A. GRCh37 (hg19) VCF-style: chr2-175629116-G-A.
Other names: c.7C>T, p.Pro3Ser (NM_001039523.3); short protein forms P3S.
Identifiers: ClinVar variation 1043061 (VCV001043061.8), dbSNP rs1286101751, ClinGen allele CA349345647.